The following is an entry in ClinVar:

ClinVar aggregate classification (germline): Pathogenic (1 of 4 stars; one submission).

Submission:

Labcorp Genetics (formerly Invitae), Labcorp
Classification: Pathogenic. Last evaluated: 2024-02-29. Review status: criteria provided, single submitter. Criteria: Invitae Variant Classification Sherloc (09022015). Collection method: clinical testing. Allele origin: germline.
Comment: This sequence change creates a premature translational stop signal (p.Pro178Glnfs*14) in the GNPTG gene. It is expected to result in an absent or disrupted protein product. Loss-of-function variants in GNPTG are known to be pathogenic (PMID: 19370764, 20301784). This variant is not present in population databases (gnomAD no frequency). This variant has not been reported in the literature in individuals affected with GNPTG-related conditions. For these reasons, this variant has been classified as Pathogenic.

Literature cited by the submitters: PubMed 19370764; PubMed 20301784.

NM_032520.5(GNPTG):c.533del (p.Pro178fs)

Gene: GNPTG (N-acetylglucosamine-1-phosphate transferase subunit gamma; plus strand). Cytogenetic location: 16p13.3.
Variant type: Deletion.
Coding change: c.533del on transcript NM_032520.5 (MANE Select); coding-DNA position 533, one base deleted (C; older notation c.533delC).
Protein change: p.Pro178fs; shifts the reading frame from proline 178.
Molecular consequence: frameshift variant.
Genome position (GRCh38, 1-based): chr16:1,362,458, C deleted; the last of 3 consecutive C bases (chr16:1,362,456-1,362,458); deleting any one gives the same sequence. VCF-style (leftmost placement, unchanged base first): chr16-1362455-AC-A. GRCh37 (hg19) VCF-style: chr16-1412456-AC-A.
Other names: short protein forms P178fs.
Identifiers: ClinVar variation 3643753 (VCV003643753.2).